The following is an entry in ClinVar:

NM_001457.4(FLNB):c.1826G>T (p.Trp609Leu)

Gene: FLNB (filamin B; plus strand). Cytogenetic location: 3p14.3.
Variant type: single nucleotide variant.
Coding change: c.1826G>T on transcript NM_001457.4 (MANE Select); coding-DNA position 1826, G replaced by T.
Protein change: p.Trp609Leu; replaces tryptophan 609 with leucine.
Molecular consequence: missense variant.
Genome position (GRCh38, 1-based): chr3:58,106,758, G>T. VCF-style: chr3-58106758-G-T. GRCh37 (hg19) VCF-style: chr3-58092485-G-T.
Other names: c.1826G>T, p.Trp609Leu (NM_001164317.2, NM_001164318.2, NM_001164319.2); short protein forms W609L.
Identifiers: ClinVar variation 4703179 (VCV004703179.1).

ClinVar aggregate classification (germline): Uncertain significance (1 of 4 stars; one submission).

gnomAD v4.1: 1 of 1,614,136 alleles (0.000062%); highest among the groups gnomAD compares: Admixed American, 0.0017%; no homozygotes.

Submission:

Labcorp Genetics (formerly Invitae), Labcorp
Classification: Uncertain significance. Last evaluated: 2025-07-30. Review status: criteria provided, single submitter. Criteria: Invitae Variant Classification Sherloc (09022015). Collection method: clinical testing. Allele origin: germline.
Comment: This sequence change replaces tryptophan, which is neutral and slightly polar, with leucine, which is neutral and non-polar, at codon 609 of the FLNB protein (p.Trp609Leu). This variant is present in population databases (no rsID available, gnomAD 0.003%). This variant has not been reported in the literature in individuals affected with FLNB-related conditions. Invitae Evidence Modeling of protein sequence and biophysical properties (such as structural, functional, and spatial information, amino acid conservation, physicochemical variation, residue mobility, and thermodynamic stability) indicates that this missense variant is not expected to disrupt FLNB protein function with a negative predictive value of 95%. In summary, the available evidence is currently insufficient to determine the role of this variant in disease. Therefore, it has been classified as a Variant of Uncertain Significance.